The following is an entry in ClinVar:

ClinVar aggregate classification (germline): Uncertain significance (1 of 4 stars; one submission).

Submission:

GeneDx
Classification: Uncertain significance. Last evaluated: 2022-03-09. Review status: criteria provided, single submitter. Criteria: GeneDx Variant Classification Process June 2021. Collection method: clinical testing. Allele origin: germline. Affected: yes.
Comment: Not observed in large population cohorts (gnomAD); In silico analysis supports that this missense variant does not alter protein structure/function; Has not been previously published as pathogenic or benign to our knowledge; A different missense change at this residue in this alternate transcript (p.V54D; NM_001604.4) has been reported in the published literature in association with Peters anomaly, congenital cataract, Axenfeld anomaly, and/or foveal hypoplasia (Azuma et al., 1999)

NM_001368894.2(PAX6):c.161T>G (p.Val54Gly)

Gene: PAX6 (paired box 6; minus strand). Cytogenetic location: 11p13.
Variant type: single nucleotide variant.
Coding change: c.161T>G on transcript NM_001368894.2 (MANE Select); coding-DNA position 161, T replaced by G.
Protein change: p.Val54Gly; replaces valine 54 with glycine.
Molecular consequence: missense variant. On other transcripts: 5 prime UTR variant (7), non-coding transcript variant (1), intron variant (23).
Genome position (GRCh38, 1-based): chr11:31,801,893, A>C on the plus strand (T>G on the coding strand, the complement: PAX6 is on the minus strand). VCF-style: chr11-31801893-A-C. GRCh37 (hg19) VCF-style: chr11-31823441-A-C.
Other names: c.161T>G, p.Val54Gly (NM_001258462.3, NM_001258463.2, NM_001310158.2 and 13 more transcripts); c.-621T>G (NM_001310160.2, NM_001368905.2); c.-290T>G (NM_001310161.3, NM_001368900.2, NM_001368903.2 and 2 more transcripts); c.164T>G, p.Val55Gly (NM_001368911.2); c.236T>G, p.Val79Gly (NM_001368918.2, NM_001368919.2); c.142-117T>G (NM_001127612.3, NM_001368890.2, NM_001368888.2 and 11 more transcripts); c.385-117T>G (NM_001368910.2); c.-267-117T>G (NM_001368909.2, NM_001368904.2, NM_001368906.2 and 3 more transcripts); and 2 more; short protein forms V54G, V55G, V79G.
Identifiers: ClinVar variation 1343922 (VCV001343922.3), dbSNP rs121907921, ClinGen allele CA379959281.